The following is an entry in ClinVar:

ClinVar aggregate classification (germline): Likely benign (0 of 4 stars; one submission).

Conditions:
APBB1-related disorder. Also called: APBB1-related condition.

Allele frequency attached by ClinVar (database versions not stated): ExAC 0.00112; gnomAD 0.00147; TOPMed 0.00148; ESP Exome Variant Server 0.00162; gnomAD exomes 0.00264.
gnomAD v4.1: 4,036 of 1,613,850 alleles (0.25%); highest among the groups gnomAD compares: Non-Finnish European, 0.33%; 7 homozygotes.

Submission:

PreventionGenetics, part of Exact Sciences
Classification: Likely benign for APBB1-related condition. Last evaluated: 2022-04-28. Review status: no assertion criteria provided. Collection method: clinical testing. Allele origin: germline.
Comment: This variant is classified as likely benign based on ACMG/AMP sequence variant interpretation guidelines (Richards et al. 2015 PMID: 25741868, with internal and published modifications).

NM_001164.5(APBB1):c.1187A>G (p.Asn396Ser)

Gene: APBB1 (amyloid beta precursor protein binding family B member 1; minus strand). Cytogenetic location: 11p15.4.
Variant type: single nucleotide variant.
Coding change: c.1187A>G on transcript NM_001164.5 (MANE Select); coding-DNA position 1187, A replaced by G.
Protein change: p.Asn396Ser; replaces asparagine 396 with serine.
Molecular consequence: missense variant. On other transcripts: non-coding transcript variant (1).
Genome position (GRCh38, 1-based): chr11:6,402,643, T>C on the plus strand (A>G on the coding strand, the complement: APBB1 is on the minus strand). VCF-style: chr11-6402643-T-C. GRCh37 (hg19) VCF-style: chr11-6423873-T-C.
Other names: c.527A>G, p.Asn176Ser (NM_001257319.3, NM_001257323.3); c.410A>G, p.Asn137Ser (NM_001257320.2, NM_001257321.2, NM_001257326.2); c.482A>G, p.Asn161Ser (NM_001257325.3); c.1187A>G, p.Asn396Ser (NM_145689.3); short protein forms N137S, N161S, N176S, N396S.
Identifiers: ClinVar variation 3033437 (VCV003033437.2), dbSNP rs1800425, ClinGen allele CA5853403.